The following is an entry in ClinVar:

NM_001165963.4(SCN1A):c.5448T>A (p.Asp1816Glu)

Genes: SCN1A (sodium voltage-gated channel alpha subunit 1; minus strand), LOC102724058 (uncharacterized LOC102724058; plus strand). Cytogenetic location: 2q24.3.
Variant type: single nucleotide variant.
Coding change: c.5448T>A on transcript NM_001165963.4 (MANE Select); coding-DNA position 5448, T replaced by A.
Protein change: p.Asp1816Glu; replaces aspartic acid 1816 with glutamic acid.
Molecular consequence: missense variant. On other transcripts: non-coding transcript variant (1).
Genome position (GRCh38, 1-based): chr2:165,991,827, A>T on the plus strand (T>A on the coding strand, the complement: SCN1A is on the minus strand). VCF-style: chr2-165991827-A-T. GRCh37 (hg19) VCF-style: chr2-166848337-A-T.
Other names: c.5364T>A, p.Asp1788Glu (NM_001353958.2, NM_001165964.3, NM_001353957.2); c.5361T>A, p.Asp1787Glu (NM_001353960.2); c.3006T>A, p.Asp1002Glu (NM_001353961.2); c.5415T>A, p.Asp1805Glu (NM_006920.6, NM_001353949.2, NM_001353950.2 and 2 more transcripts); c.5448T>A, p.Asp1816Glu (NM_001202435.3, NM_001353948.2); c.5412T>A, p.Asp1804Glu (NM_001353954.2, NM_001353955.2); short protein forms D1788E, D1804E, D1816E, D1787E, D1805E, D1002E.
Identifiers: ClinVar variation 2846763 (VCV002846763.3), dbSNP rs2468331661, ClinGen allele CA349067511.
Genomic context (GRCh38, chr2:165,991,827, plus strand): 5'-TTCAAGCGCAGCTGCAAACTGAGATAATTTTTCAAATTCCATGAACTGAGTTGCATCGGG[A>T]TCAAACTTCTCCCAAACCTCATAGAACATCTCAAAGTCATCCTCACTCAGAGGCTCTGCA-3'
Protein context (NP_001159435.1, residues 1806-1826): EMFYEVWEKF[Asp1816Glu]PDATQFMEFE

ClinVar aggregate classification (germline): Uncertain significance (1 of 4 stars; one submission).

Conditions:
Early-infantile DEE. Also called: Early infantile epileptic encephalopathy; Early infantile epileptic encephalopathy with suppression bursts; Ohtahara syndrome. Identifiers: Orphanet 1934, MedGen C0393706, MONDO:0800491.

Submission:

Labcorp Genetics (formerly Invitae), Labcorp
Classification: Uncertain significance for Early-infantile DEE. Last evaluated: 2024-01-15. Review status: criteria provided, single submitter. Criteria: Invitae Variant Classification Sherloc (09022015). Collection method: clinical testing. Allele origin: germline.
Comment: This sequence change replaces aspartic acid, which is acidic and polar, with glutamic acid, which is acidic and polar, at codon 1816 of the SCN1A protein (p.Asp1816Glu). This variant is not present in population databases (gnomAD no frequency). This variant has not been reported in the literature in individuals affected with SCN1A-related conditions. Advanced modeling of protein sequence and biophysical properties (such as structural, functional, and spatial information, amino acid conservation, physicochemical variation, residue mobility, and thermodynamic stability) performed at Invitae indicates that this missense variant is expected to disrupt SCN1A protein function with a positive predictive value of 95%. In summary, the available evidence is currently insufficient to determine the role of this variant in disease. Therefore, it has been classified as a Variant of Uncertain Significance.